The following is an entry in ClinVar:

NM_025150.5(TARS2):c.141A>G (p.Val47=)

Gene: TARS2 (threonyl-tRNA synthetase 2, mitochondrial; plus strand). Cytogenetic location: 1q21.2.
Variant type: single nucleotide variant.
Coding change: c.141A>G on transcript NM_025150.5 (MANE Select); coding-DNA position 141, A replaced by G.
Protein change: p.Val47=; no amino-acid change (valine 47 retained).
Molecular consequence: synonymous variant. On other transcripts: non-coding transcript variant (2).
Genome position (GRCh38, 1-based): chr1:150,487,932, A>G. VCF-style: chr1-150487932-A-G. GRCh37 (hg19) VCF-style: chr1-150460408-A-G.
Other names: c.141A>G, p.Val47= (NM_001271895.2, NM_001271896.2).
Identifiers: ClinVar variation 512112 (VCV000512112.3), dbSNP rs1274547718, ClinGen allele CA420685952.

ClinVar aggregate classification (germline): Likely benign. Review status: criteria provided, multiple submitters, no conflicts (2 of 4 stars). 2 submissions from 2 submitters: Likely benign (2). Last evaluated 2024-06-09.

Allele frequency attached by ClinVar (database versions not stated): gnomAD exomes below 0.00001 and 0.00001.
gnomAD v4.1: 2 of 1,613,970 alleles (0.00012%); highest among the groups gnomAD compares: Admixed American, 0.0017%; no homozygotes.

Submissions (2):

Labcorp Genetics (formerly Invitae), Labcorp
Classification: Likely benign. Last evaluated: 2024-06-09. Review status: criteria provided, single submitter. Criteria: Invitae Variant Classification Sherloc (09022015). Collection method: clinical testing. Allele origin: germline.

GeneDx
Classification: Likely benign. Last evaluated: 2017-09-29. Review status: criteria provided, single submitter. Criteria: GeneDx Variant Classification (06012015). Collection method: clinical testing. Allele origin: germline. Affected: yes.
Comment: This variant is considered likely benign or benign based on one or more of the following criteria: it is a conservative change, it occurs at a poorly conserved position in the protein, it is predicted to be benign by multiple in silico algorithms, and/or has population frequency not consistent with disease.